The following is an entry in ClinVar:

ClinVar aggregate classification (germline): Uncertain significance (0 of 4 stars; one submission).

Conditions:
COL11A2-related disorder. Also called: COL11A2-related condition; COL11A2-related disorders.

gnomAD v4.1: 1 of 1,613,500 alleles (0.000062%); no homozygotes.

Submission:

PreventionGenetics, part of Exact Sciences
Classification: Uncertain significance for COL11A2-related condition. Last evaluated: 2024-04-17. Review status: no assertion criteria provided. Collection method: clinical testing. Allele origin: germline.
Comment: The COL11A2 c.4504C>A variant is predicted to result in the amino acid substitution p.Gln1502Lys. To our knowledge, this variant has not been reported in the literature or in a large population database, indicating this variant is rare. At this time, the clinical significance of this variant is uncertain due to the absence of conclusive functional and genetic evidence.

NM_080680.3(COL11A2):c.4504C>A (p.Gln1502Lys)

Gene: COL11A2 (collagen type XI alpha 2 chain; minus strand). Cytogenetic location: 6p21.32.
Variant type: single nucleotide variant.
Coding change: c.4504C>A on transcript NM_080680.3 (MANE Select); coding-DNA position 4504, C replaced by A.
Protein change: p.Gln1502Lys; replaces glutamine 1502 with lysine.
Molecular consequence: missense variant.
Genome position (GRCh38, 1-based): chr6:33,165,795, G>T on the plus strand (C>A on the coding strand, the complement: COL11A2 is on the minus strand). VCF-style: chr6-33165795-G-T. GRCh37 (hg19) VCF-style: chr6-33133572-G-T.
Other names: c.4324C>A, p.Gln1442Lys (NM_001424108.1); c.3658C>A, p.Gln1220Lys (NM_001424109.1); c.3478C>A, p.Gln1160Lys (NM_001424110.1, NM_001424111.1); c.2458C>A, p.Gln820Lys (NM_001424112.1); c.4183C>A, p.Gln1395Lys (NM_080679.3); c.4246C>A, p.Gln1416Lys (NM_080681.3); short protein forms Q1160K, Q1220K, Q1395K, Q1416K, Q1442K, Q1502K, Q820K.
Identifiers: ClinVar variation 3344909 (VCV003344909.1).